The following is an entry in ClinVar:

NM_004612.4(TGFBR1):c.862C>G (p.Leu288Val)

Gene: TGFBR1 (transforming growth factor beta receptor 1; plus strand). Cytogenetic location: 9q22.33.
Variant type: single nucleotide variant.
Coding change: c.862C>G on transcript NM_004612.4 (MANE Select); coding-DNA position 862, C replaced by G.
Protein change: p.Leu288Val; replaces leucine 288 with valine.
Molecular consequence: missense variant.
Genome position (GRCh38, 1-based): chr9:99,142,592, C>G. VCF-style: chr9-99142592-C-G. GRCh37 (hg19) VCF-style: chr9-101904874-C-G.
Other names: c.631C>G, p.Leu211Val (NM_001130916.3, NM_001407435.1); c.874C>G, p.Leu292Val (NM_001306210.2); c.667C>G, p.Leu223Val (NM_001407418.1, NM_001407419.1, NM_001407420.1 and 1 more transcripts); c.655C>G, p.Leu219Val (NM_001407423.1, NM_001407424.1, NM_001407425.1 and 8 more transcripts); c.616C>G, p.Leu206Val (NM_001407436.1); c.154C>G, p.Leu52Val (NM_001407437.1); c.385C>G, p.Leu129Val (NM_001407438.1); short protein forms L129V, L211V, L288V, L219V, L206V, L292V, L223V, L52V.
Identifiers: ClinVar variation 2043500 (VCV002043500.4), dbSNP rs201605956, ClinGen allele CA374230610.
Genomic context (GRCh38, chr9:99,142,592, plus strand): 5'-ACAGACAATGGTACTTGGACTCAGCTCTGGTTGGTGTCAGATTATCATGAGCATGGATCC[C>G]TTTTTGATTACTTAAACAGATACACAGTTACTGTGGAAGGAATGATAAAACTTGCTCTGT-3'
Protein context (NP_004603.1, residues 278-298): LVSDYHEHGS[Leu288Val]FDYLNRYTVT

ClinVar aggregate classification (germline): Uncertain significance (1 of 4 stars; one submission).

Conditions:
Familial thoracic aortic aneurysm and aortic dissection (TAAD). Also called: Thoracic aortic aneurysms and dissections. Identifiers: Orphanet 91387, MedGen C4707243, MONDO:0019625.

Submission:

Labcorp Genetics (formerly Invitae), Labcorp
Classification: Uncertain significance for Familial thoracic aortic aneurysm and aortic dissection. Last evaluated: 2022-05-25. Review status: criteria provided, single submitter. Criteria: Invitae Variant Classification Sherloc (09022015). Collection method: clinical testing. Allele origin: germline.
Comment: This sequence change replaces leucine, which is neutral and non-polar, with valine, which is neutral and non-polar, at codon 288 of the TGFBR1 protein (p.Leu288Val). This variant is not present in population databases (gnomAD no frequency). This variant has not been reported in the literature in individuals affected with TGFBR1-related conditions. Advanced modeling of protein sequence and biophysical properties (such as structural, functional, and spatial information, amino acid conservation, physicochemical variation, residue mobility, and thermodynamic stability) performed at Invitae indicates that this missense variant is expected to disrupt TGFBR1 protein function. In summary, the available evidence is currently insufficient to determine the role of this variant in disease. Therefore, it has been classified as a Variant of Uncertain Significance.